The following is an entry in ClinVar:

ClinVar aggregate classification (germline): Uncertain significance (1 of 4 stars; one submission).

Conditions:
Cornelia de Lange syndrome 1 (CDLS1). Also called: TYPUS DEGENERATIVUS AMSTELODAMENSIS; Brachmann de Lange syndrome; NIPBL-Related Cornelia de Lange Syndrome. Identifiers: Orphanet 199, MedGen C4551851, MONDO:0007387, OMIM 122470.

gnomAD v4.1: 1 of 1,613,654 alleles (0.000062%); highest among the groups gnomAD compares: Non-Finnish European, 0.000085%; no homozygotes.

Submission:

Juno Genomics, Hangzhou Juno Genomics, Inc
Classification: Uncertain significance for Cornelia de Lange syndrome 1. Review status: criteria provided, single submitter. Criteria: ACMG Guidelines, 2015. Collection method: clinical testing. Allele origin: germline.
Comment: Absent from controls (or at extremely low frequency if recessive) in Genome Aggregation Database.;Missense variant in a gene that has a low rate of benign missense variation.

NM_133433.4(NIPBL):c.8069G>A (p.Arg2690Gln)

Gene: NIPBL (NIPBL cohesin loading factor; plus strand). Cytogenetic location: 5p13.2.
Variant type: single nucleotide variant.
Coding change: c.8069G>A on transcript NM_133433.4 (MANE Select); coding-DNA position 8069, G replaced by A.
Protein change: p.Arg2690Gln; replaces arginine 2690 with glutamine.
Molecular consequence: missense variant. On other transcripts: 3 prime UTR variant (2).
Genome position (GRCh38, 1-based): chr5:37,064,546, G>A. VCF-style: chr5-37064546-G-A. GRCh37 (hg19) VCF-style: chr5-37064648-G-A.
Other names: c.*13G>A (NM_001438586.1); c.*523G>A (NM_015384.5); short protein forms R2690Q.
Identifiers: ClinVar variation 5006894 (VCV005006894.2).
Genomic context (GRCh38, chr5:37,064,546, plus strand): 5'-GTGTAACACTTGGTCTTTTTTCCCCCCTCCCAATGTTTTAGTCATTGAGAAGGTCAAAAC[G>A]AAATTCAGACTCTACGGAGTTGGCAGCACAGATGAATGAAAGTGTTGACGTCATGGATGT-3'
Protein context (NP_597677.2, residues 2680-2700): GTSGSLRRSK[Arg2690Gln]NSDSTELAAQ